The following is an entry in ClinVar:

NC_000023.11:g.(?_123885637)_(123907201_?)dup

Gene: XIAP (X-linked inhibitor of apoptosis; plus strand). Cytogenetic location: Xq25.
Variant type: Duplication.
Identifiers: ClinVar variation 830411 (VCV000830411.1).

ClinVar aggregate classification (germline): Uncertain significance (1 of 4 stars; one submission).

Conditions:
X-linked lymphoproliferative disease due to XIAP deficiency. Also called: XIAP DEFICIENCY; XIAP-Related Lymphoproliferative Disease, X-Linked. Identifiers: Orphanet 2442, Orphanet 538934, MedGen C1845076, MONDO:0010385, OMIM 300635.

Submission:

Labcorp Genetics (formerly Invitae), Labcorp
Classification: Uncertain significance for Lymphoproliferative syndrome 2, X-linked. Last evaluated: 2019-11-27. Review status: criteria provided, single submitter. Criteria: Invitae Variant Classification Sherloc (09022015). Collection method: clinical testing. Allele origin: germline.
Comment: This variant results in a copy number gain of the genomic region encompassing the full coding sequence of the XIAP gene. The boundaries of this event are unknown as they extend beyond the assayed region for this gene and therefore may encompass additional genes. As the precise location of this event is unknown, it may be in tandem or it may be located elsewhere in the genome. This variant has not been reported in the literature in individuals with XIAP-related conditions. In summary, the available evidence is currently insufficient to determine the role of this variant in disease. Therefore, it has been classified as a Variant of Uncertain Significance.